The following is an entry in ClinVar:

NM_004168.4(SDHA):c.1629T>A (p.Tyr543Ter)

Gene: SDHA (succinate dehydrogenase complex flavoprotein subunit A; plus strand). Cytogenetic location: 5p15.33.
Variant type: single nucleotide variant.
Coding change: c.1629T>A on transcript NM_004168.4 (MANE Select); coding-DNA position 1629, T replaced by A.
Protein change: p.Tyr543Ter; replaces tyrosine 543 with a stop codon.
Molecular consequence: nonsense. On other transcripts: intron variant (1).
Genome position (GRCh38, 1-based): chr5:251,069, T>A. VCF-style: chr5-251069-T-A. GRCh37 (hg19) VCF-style: chr5-251184-T-A.
Other names: c.1485T>A, p.Tyr495Ter (NM_001294332.2); c.1552-3324T>A (NM_001330758.2); short protein forms Y495*, Y543*.
Identifiers: ClinVar variation 1776765 (VCV001776765.2), dbSNP rs747249998, ClinGen allele CA358998718.
Genomic context (GRCh38, chr5:251,069, plus strand): 5'-TGCCGTGTTCCGTGTGGGAAGCGTGTTGCAAGAAGGTTGTGGGAAAATCAGCAAGCTCTA[T>A]GGAGACCTAAAGCACCTGAAGACGTTCGACCGGGGTGAGCAGACAGTGGGCTCTGTGCAC-3'

ClinVar aggregate classification (germline): Pathogenic (1 of 4 stars; one submission).

Conditions:
Hereditary cancer-predisposing syndrome. Also called: Neoplastic Syndromes, Hereditary; Tumor predisposition; Hereditary Cancer Syndrome; Hereditary neoplastic syndrome. Identifiers: Orphanet 140162, MedGen C0027672, MeSH D009386, MONDO:0015356.

Submission:

Ambry Genetics
Classification: Pathogenic for Hereditary cancer-predisposing syndrome. Last evaluated: 2020-09-30. Review status: criteria provided, single submitter. Criteria: Ambry Variant Classification Scheme 2023. Collection method: clinical testing. Allele origin: germline.
Comment: The p.Y543* pathogenic mutation (also known as c.1629T>A), located in coding exon 12 of the SDHA gene, results from a T to A substitution at nucleotide position 1629. This changes the amino acid from a tyrosine to a stop codon within coding exon 12. Another alteration, c.1629T>G, that leads to the same premature stop codon (p.Y543*) was identified in a patient with esophagogastric adenocarcinoma through paired tumor-normal sequencing (Schrader KA et al. JAMA Oncol, 2016 Jan;2:104-11). In addition to the clinical data presented in the literature, this alteration is expected to result in loss of function by premature protein truncation or nonsense-mediated mRNA decay. As such, this alteration is interpreted as a disease-causing mutation.

Literature cited by the submitters: PubMed 26556299.